The following is an entry in ClinVar:

ClinVar aggregate classification (germline): Uncertain significance (1 of 4 stars; one submission).

Submission:

CeGaT Center for Human Genetics Tuebingen
Classification: Uncertain significance. Last evaluated: 2025-05-01. Review status: criteria provided, single submitter. Criteria: CeGaT Center For Human Genetics Tuebingen Variant Classification Criteria Version 2. Collection method: clinical testing. Allele origin: germline. Affected: yes. Observed: 1 variant allele.
Comment: MTOR: PM2, PP2

NM_004958.4(MTOR):c.659C>G (p.Thr220Arg)

Gene: MTOR (mechanistic target of rapamycin kinase; minus strand). Cytogenetic location: 1p36.22.
Variant type: single nucleotide variant.
Coding change: c.659C>G on transcript NM_004958.4 (MANE Select); coding-DNA position 659, C replaced by G.
Protein change: p.Thr220Arg; replaces threonine 220 with arginine.
Molecular consequence: missense variant. On other transcripts: 5 prime UTR variant (1).
Genome position (GRCh38, 1-based): chr1:11,256,038, G>C on the plus strand (C>G on the coding strand, the complement: MTOR is on the minus strand). VCF-style: chr1-11256038-G-C. GRCh37 (hg19) VCF-style: chr1-11316095-G-C.
Other names: c.659C>G, p.Thr220Arg (NM_001386500.1); c.-481C>G (NM_001386501.1); short protein forms T220R.
Identifiers: ClinVar variation 3905657 (VCV003905657.10).